The following is an entry in ClinVar:

NM_001232.4(CASQ2):c.939+278C>G

Gene: CASQ2 (calsequestrin 2; minus strand). Cytogenetic location: 1p13.1.
Variant type: single nucleotide variant.
Coding change: c.939+278C>G on transcript NM_001232.4 (MANE Select); 278 bases into the intron after coding-DNA position 939, C replaced by G.
Molecular consequence: intron variant.
Genome position (GRCh38, 1-based): chr1:115,704,914, G>C on the plus strand (C>G on the coding strand, the complement: CASQ2 is on the minus strand). VCF-style: chr1-115704914-G-C. GRCh37 (hg19) VCF-style: chr1-116247535-G-C.
Identifiers: ClinVar variation 683294 (VCV000683294.1), dbSNP rs3811005, ClinGen allele CA10737367.

ClinVar aggregate classification (germline): Benign (1 of 4 stars; one submission).

Allele frequency attached by ClinVar (database versions not stated): gnomAD 0.39582 and 0.39959; TOPMed 0.40624; 1000 Genomes Project 0.43590; 1000 Genomes Project 30x 0.44300.
gnomAD v4.1: 60,174 of 152,128 alleles (40%); highest among the groups gnomAD compares: African/African-American, 57%; 13,072 homozygotes.

Submission:

GeneDx
Classification: Benign. Last evaluated: 2018-06-14. Review status: criteria provided, single submitter. Criteria: GeneDx Variant Classification (06012015). Collection method: clinical testing. Allele origin: germline. Affected: yes.
Comment: This variant is considered likely benign or benign based on one or more of the following criteria: it is a conservative change, it occurs at a poorly conserved position in the protein, it is predicted to be benign by multiple in silico algorithms, and/or has population frequency not consistent with disease.